The following is an entry in ClinVar:

ClinVar aggregate classification (germline): Uncertain significance (1 of 4 stars; one submission).

Conditions:
Inborn genetic diseases. Identifiers: MedGen C0950123, MeSH D030342.

gnomAD v4.1: 1 of 1,613,804 alleles (0.000062%); highest among the groups gnomAD compares: Non-Finnish European, 0.000085%; no homozygotes.

Submission:

Ambry Genetics
Classification: Uncertain significance for Inborn genetic diseases. Last evaluated: 2025-12-27. Review status: criteria provided, single submitter. Criteria: Ambry Variant Classification Scheme 2023. Collection method: clinical testing. Allele origin: germline.
Comment: The p.A206S variant (also known as c.616G>T), located in coding exon 2 of the FANCM gene, results from a G to T substitution at nucleotide position 616. The alanine at codon 206 is replaced by serine, an amino acid with similar properties. This amino acid position is conserved. In addition, this alteration is predicted to be tolerated by in silico analysis. Based on the available evidence, the clinical significance of this variant remains unclear.

NM_020937.4(FANCM):c.616G>T (p.Ala206Ser)

Gene: FANCM (FA complementation group M; plus strand). Cytogenetic location: 14q21.2.
Variant type: single nucleotide variant.
Coding change: c.616G>T on transcript NM_020937.4 (MANE Select); coding-DNA position 616, G replaced by T.
Protein change: p.Ala206Ser; replaces alanine 206 with serine.
Molecular consequence: missense variant.
Genome position (GRCh38, 1-based): chr14:45,137,176, G>T. VCF-style: chr14-45137176-G-T. GRCh37 (hg19) VCF-style: chr14-45606379-G-T.
Other names: c.616G>T, p.Ala206Ser (NM_001308133.2, NM_001308134.2); short protein forms A206S.
Identifiers: ClinVar variation 4841752 (VCV004841752.1).